The following is an entry in ClinVar:

NM_000360.4(TH):c.313-9C>T

Gene: TH (tyrosine hydroxylase; minus strand). Cytogenetic location: 11p15.5.
Variant type: single nucleotide variant.
Coding change: c.313-9C>T on transcript NM_000360.4 (MANE Select); 9 bases into the intron before coding-DNA position 313, C replaced by T.
Molecular consequence: intron variant.
Genome position (GRCh38, 1-based): chr11:2,168,674, G>A on the plus strand (C>T on the coding strand, the complement: TH is on the minus strand). VCF-style: chr11-2168674-G-A. GRCh37 (hg19) VCF-style: chr11-2189904-G-A.
Other names: c.394-9C>T (NM_199293.3); c.406-9C>T (NM_199292.3).
Identifiers: ClinVar variation 304082 (VCV000304082.16), dbSNP rs538345855, ClinGen allele CA5818710.
Genomic context (GRCh38, chr11:2,168,674, plus strand): 5'-GCGGCCTCTGGGCGGGCCGGGTCTCTAGATGGTGGATTTTGGCTTCAAACGTCTTAGGGA[G>A]CAAAAGCAGGAAGAGAGAGAGAAGGAGAAAGAGACAGAGATGGAGAGAGAGGGTGGGGTG-3'

ClinVar aggregate classification (germline): Benign. Review status: criteria provided, multiple submitters, no conflicts (2 of 4 stars). 3 submissions from 3 submitters: Benign (2). 1 of the submissions does not count toward it. Last evaluated 2026-01-28.

Conditions:
TH-deficient dopa-responsive dystonia. Also called: DYT-TH; Segawa syndrome, autosomal recessive; Tyrosine Hydroxylase-Deficient Dopa-Responsive Dystonia. Identifiers: Orphanet 101150, MedGen C2673535, MONDO:0011551, OMIM 605407.

Allele frequency attached by ClinVar (database versions not stated): gnomAD 0.00004 and 0.00053; gnomAD exomes 0.00089 and 0.00161; TOPMed 0.00012; ExAC 0.00205; 1000 Genomes Project 0.00260; 1000 Genomes Project 30x 0.00234.
gnomAD v4.1: 1,186 of 1,352,854 alleles (0.088%); highest among the groups gnomAD compares: South Asian, 1.2%; 13 homozygotes.

Submissions (3):

Labcorp Genetics (formerly Invitae), Labcorp
Classification: Benign for TH-deficient dopa-responsive dystonia. Last evaluated: 2026-01-28. Review status: criteria provided, single submitter. Criteria: Invitae Variant Classification Sherloc (09022015). Collection method: clinical testing. Allele origin: germline.

Illumina Laboratory Services, Illumina
Classification: Benign for TH-deficient dopa-responsive dystonia. Last evaluated: 2018-01-13. Review status: criteria provided, single submitter. Criteria: ICSL Variant Classification Criteria 13 December 2019. Collection method: clinical testing. Allele origin: germline.
Comment: This variant was observed in the ICSL laboratory as part of a predisposition screen in an ostensibly healthy population. It had not been previously curated by ICSL or reported in the Human Gene Mutation Database (HGMD: prior to June 1st, 2018), and was therefore a candidate for classification through an automated scoring system. Utilizing variant allele frequency, disease prevalence and penetrance estimates, and inheritance mode, an automated score was calculated to assess if this variant is too frequent to cause the disease. Based on the score and internal cut-off values, a variant classified as benign is not then subjected to further curation. The score for this variant resulted in a classification of benign for this disease.

Natera, Inc.
Classification: Benign for Autosomal recessive Segawa syndrome. Last evaluated: 2020-04-12. Review status: no assertion criteria provided. Collection method: clinical testing. Allele origin: germline. Not counted in ClinVar's aggregate classification.